The following is an entry in ClinVar:

Conditions:
Breast-ovarian cancer, familial, susceptibility to, 1 (BROVCA1). Also called: BRCA1 Hereditary Breast and Ovarian Cancer; OVARIAN CANCER, SUSCEPTIBILITY TO. Identifiers: Orphanet 145, MedGen C2676676, MONDO:0011450, OMIM 604370. Disease mechanism: loss of function.

Submission:

Brotman Baty Institute, University of Washington
No classification provided (evidence only). Condition: Breast-ovarian cancer, familial 1. Review status: no classification provided. Collection method: in vitro. Allele origin: not applicable. Functional consequence: functionally_normal.
ClinVar note: "not provided" was previously submitted as the classification for the variant. However, the classification appeared to be based only on an observation of functional data so it was converted to no classification on 2025-07-30.

NM_007294.4(BRCA1):c.5268G>C (p.Gln1756His)

Gene: BRCA1 (BRCA1 DNA repair associated; minus strand). Cytogenetic location: 17q21.31.
Variant type: single nucleotide variant.
Coding change: c.5268G>C on transcript NM_007294.4 (MANE Select); coding-DNA position 5268, G replaced by C.
Protein change: p.Gln1756His; replaces glutamine 1756 with histidine.
Molecular consequence: missense variant. On other transcripts: non-coding transcript variant (1).
Genome position (GRCh38, 1-based): chr17:43,057,061, C>G on the plus strand (G>C on the coding strand, the complement: BRCA1 is on the minus strand). VCF-style: chr17-43057061-C-G. GRCh37 (hg19) VCF-style: chr17-41209078-C-G.
Other names: c.5055G>C, p.Gln1685His (NM_001407571.1, NM_001407900.1, NM_001407902.1 and 12 more transcripts); c.5334G>C, p.Gln1778His (NM_001407581.1, NM_001407582.1); c.5331G>C, p.Gln1777His (NM_001407583.1, NM_001407585.1, NM_001407587.1 and 1 more transcripts); c.5265G>C, p.Gln1755His (NM_001407610.1, NM_001407611.1, NM_001407612.1 and 17 more transcripts); c.5262G>C, p.Gln1754His (NM_001407629.1, NM_001407630.1, NM_001407631.1 and 14 more transcripts); c.5208G>C, p.Gln1736His (NM_001407649.1); c.5190G>C, p.Gln1730His (NM_001407652.1, NM_001407653.1, NM_001407654.1 and 1 more transcripts); c.5187G>C, p.Gln1729His (NM_001407656.1, NM_001407657.1, NM_001407658.1); and 72 more; short protein forms Q1709H, Q1756H, Q652H, Q1777H, Q1459H, Q1460H, Q1644H, Q1684H.
Identifiers: ClinVar variation 865220 (VCV000865220.3), dbSNP rs571834423, ClinGen allele CA10591019.
Genomic context (GRCh38, chr17:43,057,061, plus strand): 5'-ATACAGAGTGGTGGGGTGAGATTTTTGTCAACTTGAGGGAGGGAGCTTTACCTTTCTGTC[C>G]TGGGATTCTCTTGCTCGCTTTGGACCTTGGTGGTTTCTTCCATTGACCACATCTCCTCTG-3'
Protein context (NP_009225.1, residues 1746-1766): HQGPKRARES[Gln1756His]DRKIFRGLEI